The following is an entry in ClinVar:

NM_001008537.3(NEXMIF):c.170C>A (p.Thr57Asn)

Gene: NEXMIF (neurite extension and migration factor; minus strand). Cytogenetic location: Xq13.3.
Variant type: single nucleotide variant.
Coding change: c.170C>A on transcript NM_001008537.3 (MANE Select); coding-DNA position 170, C replaced by A.
Protein change: p.Thr57Asn; replaces threonine 57 with asparagine.
Molecular consequence: missense variant.
Genome position (GRCh38, 1-based): chrX:74,744,387, G>T on the plus strand (C>A on the coding strand, the complement: NEXMIF is on the minus strand). VCF-style: chrX-74744387-G-T. GRCh37 (hg19) VCF-style: chrX-73964222-G-T.
Other names: short protein forms T57N.
Identifiers: ClinVar variation 2898403 (VCV002898403.3), dbSNP rs2519917027, ClinGen allele CA413674170.

ClinVar aggregate classification (germline): Uncertain significance (1 of 4 stars; one submission).

Allele frequency attached by ClinVar (database versions not stated): gnomAD exomes below 0.00001.
gnomAD v4.1: 1 of 1,209,812 alleles (0.000083%); highest among the groups gnomAD compares: Non-Finnish European, 0.00011%; no homozygotes.

Submission:

Labcorp Genetics (formerly Invitae), Labcorp
Classification: Uncertain significance. Last evaluated: 2023-12-28. Review status: criteria provided, single submitter. Criteria: Invitae Variant Classification Sherloc (09022015). Collection method: clinical testing. Allele origin: germline.
Comment: This sequence change replaces threonine, which is neutral and polar, with asparagine, which is neutral and polar, at codon 57 of the NEXMIF protein (p.Thr57Asn). This variant is not present in population databases (gnomAD no frequency). This variant has not been reported in the literature in individuals affected with NEXMIF-related conditions. Algorithms developed to predict the effect of missense changes on protein structure and function output the following: SIFT: "Not Available"; PolyPhen-2: "Benign"; Align-GVGD: "Not Available". The asparagine amino acid residue is found in multiple mammalian species, which suggests that this missense change does not adversely affect protein function. In summary, the available evidence is currently insufficient to determine the role of this variant in disease. Therefore, it has been classified as a Variant of Uncertain Significance.